The following is an entry in ClinVar:

ClinVar aggregate classification (germline): Uncertain significance (1 of 4 stars; one submission).

Conditions:
Charcot-Marie-Tooth disease type 2. Also called: Charcot-Marie-Tooth type 2. Identifiers: Orphanet 64746, MedGen C0270914, MONDO:0018993.

Submission:

Labcorp Genetics (formerly Invitae), Labcorp
Classification: Uncertain significance for Charcot-Marie-Tooth disease type 2. Last evaluated: 2023-05-25. Review status: criteria provided, single submitter. Criteria: Invitae Variant Classification Sherloc (09022015). Collection method: clinical testing. Allele origin: germline.
Comment: In summary, the available evidence is currently insufficient to determine the role of this variant in disease. Therefore, it has been classified as a Variant of Uncertain Significance. An algorithm developed to predict the effect of missense changes on protein structure and function (PolyPhen-2) suggests that this variant is likely to be disruptive. This variant has not been reported in the literature in individuals affected with KIF1B-related conditions. This variant is not present in population databases (gnomAD no frequency). This sequence change replaces arginine, which is basic and polar, with leucine, which is neutral and non-polar, at codon 1427 of the KIF1B protein (p.Arg1427Leu).

NM_001365951.3(KIF1B):c.4418G>T (p.Arg1473Leu)

Gene: KIF1B (kinesin family member 1B; plus strand). Cytogenetic location: 1p36.22.
Variant type: single nucleotide variant.
Coding change: c.4418G>T on transcript NM_001365951.3 (MANE Select); coding-DNA position 4418, G replaced by T.
Protein change: p.Arg1473Leu; replaces arginine 1473 with leucine.
Molecular consequence: missense variant.
Genome position (GRCh38, 1-based): chr1:10,365,151, G>T. VCF-style: chr1-10365151-G-T. GRCh37 (hg19) VCF-style: chr1-10425209-G-T.
Other names: c.4418G>T, p.Arg1473Leu (NM_001365952.1); c.4280G>T, p.Arg1427Leu (NM_015074.3); short protein forms R1427L, R1473L.
Identifiers: ClinVar variation 2718961 (VCV002718961.3), dbSNP rs1384701975, ClinGen allele CA338320451.